The following is an entry in ClinVar:

ClinVar aggregate classification (germline): Pathogenic (1 of 4 stars; one submission).

Conditions:
Blepharophimosis - intellectual disability syndrome, SBBYS type (SBBYSS). Also called: Say-Barber-Biesecker variant of Ohdo syndrome (SBBYSS); Young Simpson syndrome; Mental retardation unusual facies hypothyroidism; Ohdo syndrome, SBBYS variant; SBBYSS syndrome; Say-Barber-Biesecker-Young-Simpson syndrome. Identifiers: Orphanet 3047, MedGen C1863557, MONDO:0011365, OMIM 603736.

Submission:

Center for Human Genetics and Genomic Medicine, Uniklinik Rwth Aachen
Classification: Pathogenic for Blepharophimosis - intellectual disability syndrome, SBBYS type. Last evaluated: 2026-04-08. Review status: criteria provided, single submitter. Criteria: ACMG Guidelines, 2015. Collection method: clinical testing. Allele origin: de novo. Inheritance: Autosomal dominant inheritance. Affected: yes. Observed: 1 variant allele, 1 heterozygote.
Comment: To date, this variant has not been reported in the literature or in the ClinVar database. In the general population (gnomAD v4.1.0), it has not yet been detected (PM2_Supporting). The variant represents a frameshift mutation followed by a stop codon. This typically leads either to premature termination of translation or to what is known as “nonsense-mediated mRNA decay.” In both cases, this results in a loss of protein function (“loss-of-function”). For the KAT6B gene, intolerance to haploinsufficiency has been described as a pathomechanism (PVS1). The variant is located in exon 16 of the KAT6B gene. Pathogenic variants in exon 16 are more commonly associated with an SBBYSS phenotype (OMIM# 603736).

NM_012330.4(KAT6B):c.3313_3314del (p.Asn1105fs)

Gene: KAT6B (lysine acetyltransferase 6B; plus strand). Cytogenetic location: 10q22.2.
Variant type: Deletion.
Coding change: c.3313_3314del on transcript NM_012330.4 (MANE Select); coding-DNA positions 3313 to 3314, 2 bases deleted (AA; older notation c.3313_3314delAA).
Protein change: p.Asn1105fs; shifts the reading frame from asparagine 1105.
Molecular consequence: frameshift variant.
Genome position (GRCh38, 1-based): chr10:75,022,172-75,022,173, AA deleted; deleting any 2 consecutive bases within chr10:75,022,170-75,022,173 gives the same sequence; the c. name uses the placement nearest the transcript's 3' end. VCF-style (leftmost placement, unchanged base first): chr10-75022169-GAA-G. GRCh37 (hg19) VCF-style: chr10-76781927-GAA-G.
Other names: c.1624_1625del, p.Asn542fs (NM_001370133.1); c.1228_1229del, p.Asn410fs (NM_001370134.1); c.970_971del, p.Asn324fs (NM_001370135.1); c.3313_3314del, p.Asn1105fs (NM_001370136.1, NM_001370137.1); c.2764_2765del, p.Asn922fs (NM_001370138.1, NM_001256468.2); c.2437_2438del, p.Asn813fs (NM_001370139.1, NM_001370140.1, NM_001370141.1 and 2 more transcripts); c.2248_2249del, p.Asn750fs (NM_001370143.1, NM_001370144.1); c.2275_2276del, p.Asn759fs (NM_001370132.1); short protein forms N1105fs, N324fs, N410fs, N542fs, N750fs, N759fs, N813fs, N922fs.
Identifiers: ClinVar variation 4857000 (VCV004857000.1).